The following is an entry in ClinVar:

NM_203446.3(SYNJ1):c.*707C>T

Gene: SYNJ1 (synaptojanin 1; minus strand). Cytogenetic location: 21q22.11.
Variant type: single nucleotide variant.
Coding change: c.*707C>T on transcript NM_203446.3 (MANE Select); 707 bases downstream of the stop codon, C replaced by T.
Molecular consequence: 3 prime UTR variant. On other transcripts: missense variant (2).
Genome position (GRCh38, 1-based): chr21:32,631,098, G>A on the plus strand (C>T on the coding strand, the complement: SYNJ1 is on the minus strand). VCF-style: chr21-32631098-G-A. GRCh37 (hg19) VCF-style: chr21-34003408-G-A.
Other names: c.*707C>T (NM_001160302.2); c.4478C>T, p.Pro1493Leu (NM_001160306.2); c.4736C>T, p.Pro1579Leu (NM_003895.4); short protein forms P1579L, P1493L.
Identifiers: ClinVar variation 1380991 (VCV001380991.3), dbSNP rs1210163373, ClinGen allele CA410080779.

ClinVar aggregate classification (germline): Uncertain significance (1 of 4 stars; one submission).

Conditions:
Developmental and epileptic encephalopathy, 53. Also called: Epileptic encephalopathy, early infantile, 53. Identifiers: MedGen C4479313, MONDO:0033362, OMIM 617389.
Early-onset Parkinson disease 20. Also called: PARKINSON DISEASE 20, AUTOSOMAL RECESSIVE EARLY-ONSET. Identifiers: Orphanet 391411, MedGen C3809824, MONDO:0014233, OMIM 615530.

Allele frequency attached by ClinVar (database versions not stated): gnomAD exomes 0.00001 and 0.00002; TOPMed 0.00001; gnomAD 0.00002 and 0.00003.
gnomAD v4.1: 30 of 1,614,078 alleles (0.0019%); highest among the groups gnomAD compares: Middle Eastern, 0.016%; no homozygotes.

Submission:

Labcorp Genetics (formerly Invitae), Labcorp
Classification: Uncertain significance for Developmental and epileptic encephalopathy, 53; Early-onset Parkinson disease 20. Last evaluated: 2022-08-20. Review status: criteria provided, single submitter. Criteria: Invitae Variant Classification Sherloc (09022015). Collection method: clinical testing. Allele origin: germline.
Comment: This sequence change replaces proline, which is neutral and non-polar, with leucine, which is neutral and non-polar, at codon 1579 of the SYNJ1 protein (p.Pro1579Leu). This variant is present in population databases (no rsID available, gnomAD 0.003%). This variant has not been reported in the literature in individuals affected with SYNJ1-related conditions. ClinVar contains an entry for this variant (Variation ID: 1380991). Algorithms developed to predict the effect of missense changes on protein structure and function are either unavailable or do not agree on the potential impact of this missense change (SIFT: "Deleterious"; PolyPhen-2: "Possibly Damaging"; Align-GVGD: "Class C0"). In summary, the available evidence is currently insufficient to determine the role of this variant in disease. Therefore, it has been classified as a Variant of Uncertain Significance.